The following is an entry in ClinVar:

NM_003086.4(SNAPC4):c.471+6T>G

Gene: SNAPC4 (small nuclear RNA activating complex polypeptide 4; minus strand). Cytogenetic location: 9q34.3.
Variant type: single nucleotide variant.
Coding change: c.471+6T>G on transcript NM_003086.4 (MANE Select); 6 bases into the intron after coding-DNA position 471, T replaced by G.
Molecular consequence: intron variant.
Genome position (GRCh38, 1-based): chr9:136,395,292, A>C on the plus strand (T>G on the coding strand, the complement: SNAPC4 is on the minus strand). VCF-style: chr9-136395292-A-C. GRCh37 (hg19) VCF-style: chr9-139289744-A-C.
Other names: c.471+6T>G (NM_001394203.1, NM_001394202.1, NM_001394201.1).
Identifiers: ClinVar variation 2672212 (VCV002672212.1), dbSNP rs1834225740, ClinGen allele CA1884224001.

ClinVar aggregate classification (germline): Uncertain significance (1 of 4 stars; one submission).

Submission:

Clinical Genomics Laboratory, Washington University in St. Louis
Classification: Uncertain significance. Last evaluated: 2023-08-16. Review status: criteria provided, single submitter. Criteria: ACMG Guidelines, 2015. Collection method: clinical testing. Allele origin: germline.
Comment: The SNAPC4 c.471+6T>G variant, to our knowledge, has not been reported in the medical literature and is absent from the general population (gnomAD v.2.1.1), indicating it is not a common variant. Computational predictors indicate that this variant would alter splicing by loss of the upstream canonical donor, evidence that correlates to an impact of this variant on SNAPC4 function. Due to limited information, the clinical significance of this variant is uncertain.